The following is an entry in ClinVar:

ClinVar aggregate classification (germline): Uncertain significance (1 of 4 stars; one submission).

Conditions:
Inborn genetic diseases. Identifiers: MedGen C0950123, MeSH D030342.

Allele frequency attached by ClinVar (database versions not stated): gnomAD exomes below 0.00001; ExAC 0.00002.
gnomAD v4.1: 2 of 1,614,012 alleles (0.00012%); highest among the groups gnomAD compares: Non-Finnish European, 0.00017%; no homozygotes.

Submission:

Ambry Genetics
Classification: Uncertain significance for Inborn genetic diseases. Last evaluated: 2024-01-07. Review status: criteria provided, single submitter. Criteria: Ambry Variant Classification Scheme 2023. Collection method: clinical testing. Allele origin: germline.
Comment: The p.G180S variant (also known as c.538G>A), located in coding exon 5 of the EPAS1 gene, results from a G to A substitution at nucleotide position 538. The glycine at codon 180 is replaced by serine, an amino acid with similar properties. This amino acid position is conserved. In addition, this alteration is predicted to be deleterious by in silico analysis. Since supporting evidence is limited at this time, the clinical significance of this alteration remains unclear.

NM_001430.5(EPAS1):c.538G>A (p.Gly180Ser)

Genes: EPAS1 (endothelial PAS domain protein 1; plus strand), LOC126806210 (BRD4-independent group 4 enhancer GRCh37_chr2:46587586-46588785; plus strand). Cytogenetic location: 2p21.
Variant type: single nucleotide variant.
Coding change: c.538G>A on transcript NM_001430.5 (MANE Select); coding-DNA position 538, G replaced by A.
Protein change: p.Gly180Ser; replaces glycine 180 with serine.
Molecular consequence: missense variant.
Genome position (GRCh38, 1-based): chr2:46,360,721, G>A. VCF-style: chr2-46360721-G-A. GRCh37 (hg19) VCF-style: chr2-46587860-G-A.
Other names: short protein forms G180S.
Identifiers: ClinVar variation 1747219 (VCV001747219.2), dbSNP rs766889111, ClinGen allele CA1644674.